The following is an entry in ClinVar:

NM_022552.5(DNMT3A):c.1711del (p.Ala571fs)

Gene: DNMT3A (DNA methyltransferase 3 alpha; minus strand). Cytogenetic location: 2p23.3.
Variant type: Deletion.
Coding change: c.1711del on transcript NM_022552.5 (MANE Select); coding-DNA position 1711, one base deleted (G; older notation c.1711delG).
Protein change: p.Ala571fs; shifts the reading frame from alanine 571.
Molecular consequence: frameshift variant. On other transcripts: non-coding transcript variant (1).
Genome position (GRCh38, 1-based): chr2:25,244,295, C deleted on the plus strand (G on the coding strand, the reverse complement: DNMT3A is on the minus strand); the first of 5 consecutive C bases (chr2:25,244,295-25,244,299); deleting any one gives the same sequence. VCF-style (leftmost placement, unchanged base first): chr2-25244294-GC-G. GRCh37 (hg19) VCF-style: chr2-25467163-GC-G.
Other names: c.1255del, p.Ala419fs (NM_001320893.1); c.1042del, p.Ala348fs (NM_001375819.1); c.1144del, p.Ala382fs (NM_153759.3); c.1711del, p.Ala571fs (NM_175629.2); short protein forms A348fs, A419fs, A571fs, A382fs.
Identifiers: ClinVar variation 3674424 (VCV003674424.2).

ClinVar aggregate classification (germline): Pathogenic (1 of 4 stars; one submission).

Conditions:
Tatton-Brown-Rahman overgrowth syndrome. Also called: Tatton-Brown-Rahman syndrome; Tall stature-intellectual disability-facial dysmorphism syndrome. Identifiers: Orphanet 404443, MedGen C4014545, MONDO:0014382, OMIM 615879.

Submission:

Labcorp Genetics (formerly Invitae), Labcorp
Classification: Pathogenic for Tatton-Brown-Rahman overgrowth syndrome. Last evaluated: 2024-05-27. Review status: criteria provided, single submitter. Criteria: Invitae Variant Classification Sherloc (09022015). Collection method: clinical testing. Allele origin: germline.
Comment: This sequence change creates a premature translational stop signal (p.Ala571Leufs*80) in the DNMT3A gene. It is expected to result in an absent or disrupted protein product. Loss-of-function variants in DNMT3A are known to be pathogenic (PMID: 24614070). The frequency data for this variant in the population databases is considered unreliable, as metrics indicate poor data quality at this position in the gnomAD database. This variant has not been reported in the literature in individuals affected with DNMT3A-related conditions. For these reasons, this variant has been classified as Pathogenic.

Literature cited by the submitters: PubMed 24614070.